The following is an entry in ClinVar:

ClinVar aggregate classification (germline): not provided (0 of 4 stars; one submission).

Allele frequency attached by ClinVar (database versions not stated): gnomAD 0.00003 and 0.00002; 1000 Genomes Project 30x 0.00047; 1000 Genomes Project 0.00060; TOPMed 0.00009; gnomAD exomes 0.00023; ExAC 0.00028.
gnomAD v4.1: 44 of 1,342,940 alleles (0.0033%); highest among the groups gnomAD compares: East Asian, 0.17%; no homozygotes.

Submission:

ITMI
No classification provided. Condition: AllHighlyPenetrant. Last evaluated: 2013-09-19. Review status: no classification provided. Collection method: reference population. Allele origin: germline.
Comment: Please see associated publication for description of ethnicities

Literature cited by the submitters: PubMed 24728327.

NM_001321790.2(CBLB):c.20C>G (p.Pro7Arg)

Gene: CBLB (Cbl proto-oncogene B; minus strand). Cytogenetic location: 3q13.11.
Variant type: single nucleotide variant.
Coding change: c.20C>G on transcript NM_001321790.2; coding-DNA position 20, C replaced by G.
Protein change: p.Pro7Arg; replaces proline 7 with arginine.
Molecular consequence: missense variant. On other transcripts: non-coding transcript variant (1).
Genome position (GRCh38, 1-based): chr3:105,869,369, G>C on the plus strand (C>G on the coding strand, the complement: CBLB is on the minus strand). VCF-style: chr3-105869369-G-C. GRCh37 (hg19) VCF-style: chr3-105588213-G-C.
Other names: short protein forms P7R.
Identifiers: ClinVar variation 135509 (VCV000135509.3), dbSNP rs552303618, ClinGen allele CA162964.